The following is an entry in ClinVar:

ClinVar aggregate classification (germline): Uncertain significance (1 of 4 stars; one submission).

gnomAD v4.1: 2 of 1,612,610 alleles (0.00012%); highest among the groups gnomAD compares: Admixed American, 0.0017%; no homozygotes.

Submission:

Labcorp Genetics (formerly Invitae), Labcorp
Classification: Uncertain significance. Last evaluated: 2024-02-07. Review status: criteria provided, single submitter. Criteria: Invitae Variant Classification Sherloc (09022015). Collection method: clinical testing. Allele origin: germline.
Comment: This sequence change replaces valine, which is neutral and non-polar, with methionine, which is neutral and non-polar, at codon 433 of the DVL1 protein (p.Val433Met). The frequency data for this variant in the population databases is considered unreliable, as metrics indicate poor data quality at this position in the gnomAD database. This variant has not been reported in the literature in individuals affected with DVL1-related conditions. Advanced modeling of protein sequence and biophysical properties (such as structural, functional, and spatial information, amino acid conservation, physicochemical variation, residue mobility, and thermodynamic stability) performed at Invitae indicates that this missense variant is expected to disrupt DVL1 protein function with a positive predictive value of 80%. In summary, the available evidence is currently insufficient to determine the role of this variant in disease. Therefore, it has been classified as a Variant of Uncertain Significance.

NM_001330311.2(DVL1):c.1372G>A (p.Val458Met)

Gene: DVL1 (dishevelled segment polarity protein 1; minus strand). Cytogenetic location: 1p36.33.
Variant type: single nucleotide variant.
Coding change: c.1372G>A on transcript NM_001330311.2 (MANE Select); coding-DNA position 1372, G replaced by A.
Protein change: p.Val458Met; replaces valine 458 with methionine.
Molecular consequence: missense variant.
Genome position (GRCh38, 1-based): chr1:1,338,404, C>T on the plus strand (G>A on the coding strand, the complement: DVL1 is on the minus strand). VCF-style: chr1-1338404-C-T. GRCh37 (hg19) VCF-style: chr1-1273784-C-T.
Other names: c.1297G>A, p.Val433Met (NM_004421.3); short protein forms V433M, V458M.
Identifiers: ClinVar variation 3703624 (VCV003703624.2).
Genomic context (GRCh38, chr1:1,338,404, plus strand): 5'-CGTGCTTCAGCAAGCTGCTGGCGTACTTCCGGGCCTCCCGCCGCTCCTTGAAGCCCTCCA[C>T]GTGTGTGTACAGCCAGTCCACCACGTCCGCCCCTGGCCGGCACCAGCGGTCAGCCCGCAG-3'
Protein context (NP_001317240.1, residues 448-468): ADVVDWLYTH[Val458Met]EGFKERREAR